The following is an entry in ClinVar:

ClinVar aggregate classification (germline): Uncertain significance (1 of 4 stars; one submission).

Submission:

Labcorp Genetics (formerly Invitae), Labcorp
Classification: Uncertain significance. Last evaluated: 2024-04-16. Review status: criteria provided, single submitter. Criteria: Invitae Variant Classification Sherloc (09022015). Collection method: clinical testing. Allele origin: germline.
Comment: This sequence change replaces serine, which is neutral and polar, with proline, which is neutral and non-polar, at codon 913 of the KCNH1 protein (p.Ser913Pro). This variant is not present in population databases (gnomAD no frequency). This variant has not been reported in the literature in individuals affected with KCNH1-related conditions. Advanced modeling of protein sequence and biophysical properties (such as structural, functional, and spatial information, amino acid conservation, physicochemical variation, residue mobility, and thermodynamic stability) performed at Invitae indicates that this missense variant is not expected to disrupt KCNH1 protein function with a negative predictive value of 95%. In summary, the available evidence is currently insufficient to determine the role of this variant in disease. Therefore, it has been classified as a Variant of Uncertain Significance.

NM_172362.3(KCNH1):c.2737T>C (p.Ser913Pro)

Gene: KCNH1 (potassium voltage-gated channel subfamily H member 1; minus strand). Cytogenetic location: 1q32.2.
Variant type: single nucleotide variant.
Coding change: c.2737T>C on transcript NM_172362.3 (MANE Select); coding-DNA position 2737, T replaced by C.
Protein change: p.Ser913Pro; replaces serine 913 with proline.
Molecular consequence: missense variant.
Genome position (GRCh38, 1-based): chr1:210,683,514, A>G on the plus strand (T>C on the coding strand, the complement: KCNH1 is on the minus strand). VCF-style: chr1-210683514-A-G. GRCh37 (hg19) VCF-style: chr1-210856856-A-G.
Other names: c.2656T>C, p.Ser886Pro (NM_002238.4); short protein forms S886P, S913P.
Identifiers: ClinVar variation 3633724 (VCV003633724.2).